The following is an entry in ClinVar:

NM_002528.7(NTHL1):c.712G>T (p.Ala238Ser)

Gene: NTHL1 (nth like DNA glycosylase 1; minus strand). Cytogenetic location: 16p13.3.
Variant type: single nucleotide variant.
Coding change: c.712G>T on transcript NM_002528.7 (MANE Select); coding-DNA position 712, G replaced by T.
Protein change: p.Ala238Ser; replaces alanine 238 with serine.
Molecular consequence: missense variant.
Genome position (GRCh38, 1-based): chr16:2,040,212, C>A on the plus strand (G>T on the coding strand, the complement: NTHL1 is on the minus strand). VCF-style: chr16-2040212-C-A. GRCh37 (hg19) VCF-style: chr16-2090213-C-A.
Other names: c.541G>T, p.Ala181Ser (NM_001318193.2); c.382G>T, p.Ala128Ser (NM_001318194.2); short protein forms A238S, A181S, A128S.
Identifiers: ClinVar variation 2451103 (VCV002451103.2), dbSNP rs147559648, ClinGen allele CA394289232.
Genomic context (GRCh38, chr16:2,040,212, plus strand): 5'-GGGCGGCGCGGGTCTCCTCTGGGGACTTGGTTGCCTTCTTGGTCCACCTCAGCCTGTTGG[C>A]GATTCTGTGCACATGCGTGTCCACTGCTGCTGGGAGGCCAAGCGGGGTGAACAGGGGCAC-3'
Protein context (NP_002519.2, residues 228-248): IAVDTHVHRI[Ala238Ser]NRLRWTKKAT

ClinVar aggregate classification (germline): Uncertain significance (1 of 4 stars; one submission).

Conditions:
Hereditary cancer-predisposing syndrome. Also called: Neoplastic Syndromes, Hereditary; Tumor predisposition; Hereditary neoplastic syndrome; Hereditary Cancer Syndrome. Identifiers: Orphanet 140162, MedGen C0027672, MeSH D009386, MONDO:0015356.

gnomAD v4.1: 1 of 1,613,762 alleles (0.000062%); highest among the groups gnomAD compares: Non-Finnish European, 0.000085%; no homozygotes.

Submission:

Ambry Genetics
Classification: Uncertain significance for Hereditary cancer-predisposing syndrome. Last evaluated: 2022-12-23. Review status: criteria provided, single submitter. Criteria: Ambry Variant Classification Scheme 2023. Collection method: clinical testing. Allele origin: germline.
Comment: The p.A246S variant (also known as c.736G>T), located in coding exon 5 of the NTHL1 gene, results from a G to T substitution at nucleotide position 736. The alanine at codon 246 is replaced by serine, an amino acid with similar properties. This amino acid position is conserved. In addition, this alteration is predicted to be tolerated by in silico analysis. Since supporting evidence is limited at this time, the clinical significance of this alteration remains unclear.